The following is an entry in ClinVar:

NM_003722.5(TP63):c.799G>A (p.Val267Ile)

Gene: TP63 (tumor protein p63; plus strand). Cytogenetic location: 3q28.
Variant type: single nucleotide variant.
Coding change: c.799G>A on transcript NM_003722.5 (MANE Select); coding-DNA position 799, G replaced by A.
Protein change: p.Val267Ile; replaces valine 267 with isoleucine.
Molecular consequence: missense variant.
Genome position (GRCh38, 1-based): chr3:189,866,714, G>A. VCF-style: chr3-189866714-G-A. GRCh37 (hg19) VCF-style: chr3-189584503-G-A.
Other names: c.799G>A, p.Val267Ile (NM_001114978.2, NM_001114979.2, NM_001329144.2 and 1 more transcripts); c.517G>A, p.Val173Ile (NM_001114980.2, NM_001114981.2, NM_001114982.2 and 2 more transcripts); c.262G>A, p.Val88Ile (NM_001329146.2, NM_001329150.2); c.793G>A, p.Val265Ile (NM_001329964.2); short protein forms V173I, V265I, V267I, V88I.
Identifiers: ClinVar variation 1054108 (VCV001054108.5), dbSNP rs768752805, ClinGen allele CA2752253.

ClinVar aggregate classification (germline): Uncertain significance. Review status: criteria provided, single submitter (1 of 4 stars). 2 submissions from 2 submitters: Uncertain significance (1). 1 of the submissions does not count toward it. Last evaluated 2022-10-13.

Conditions:
TP63-Related Spectrum Disorders.
ADULT syndrome. Also called: ACRO-DERMATO-UNGUAL-LACRIMAL-TOOTH SYNDROME; Acro-Dermo-Ungual-Lacrimal-Tooth Syndrome (ADULT Syndrome); Acro-dermato-ungual-lacrimal-tooth (adult) syndrome. Identifiers: Orphanet 978, MedGen C1863204, MONDO:0007072, OMIM 103285.

Allele frequency attached by ClinVar (database versions not stated): gnomAD 0.00001.

Submissions (2):

Labcorp Genetics (formerly Invitae), Labcorp
Classification: Uncertain significance. Last evaluated: 2022-10-13. Review status: criteria provided, single submitter. Criteria: Invitae Variant Classification Sherloc (09022015). Collection method: clinical testing. Allele origin: germline.
Comment: Advanced modeling of protein sequence and biophysical properties (such as structural, functional, and spatial information, amino acid conservation, physicochemical variation, residue mobility, and thermodynamic stability) has been performed at Invitae for this missense variant, however the output from this modeling did not meet the statistical confidence thresholds required to predict the impact of this variant on TP63 protein function. ClinVar contains an entry for this variant (Variation ID: 1054108). This missense change has been observed in at least one individual who was not affected with TP63-related conditions (Invitae). This variant has not been reported in the literature in individuals affected with TP63-related conditions. This variant is present in population databases (rs768752805, gnomAD 0.002%). This sequence change replaces valine, which is neutral and non-polar, with isoleucine, which is neutral and non-polar, at codon 267 of the TP63 protein (p.Val267Ile). In summary, the available evidence is currently insufficient to determine the role of this variant in disease. Therefore, it has been classified as a Variant of Uncertain Significance.

Zotz-Klimas Genetics Lab, MVZ Zotz Klimas
Classification: Uncertain significance for ADULT syndrome. Last evaluated: 2023-10-09. Review status: no assertion criteria provided. Collection method: clinical testing. Allele origin: germline. Affected: yes. Not counted in ClinVar's aggregate classification.